The following is an entry in ClinVar:

ClinVar aggregate classification (germline): Uncertain significance (1 of 4 stars; one submission).

gnomAD v4.1: 1 of 1,212,121 alleles (0.000083%); highest among the groups gnomAD compares: Non-Finnish European, 0.00011%; no homozygotes.

Submission:

Dasa
Classification: Uncertain significance. Last evaluated: 2025-07-05. Review status: criteria provided, single submitter. Criteria: DASA Assertion Criteria. Collection method: clinical testing. Allele origin: germline.
Comment: NM_181303.2(NLGN3):c.2077G>A (p.Ala693Thr) is a missense variant that results in the substitution of alanine with threonine. This variant is rare in population databases. Computational prediction algorithms are consistent with a benign effect. The currently available literature and clinical evidence are not sufficient to establish a definitive association between this variant and the reported condition. Therefore, this variant is classified as a variant of uncertain significance.

NM_181303.2(NLGN3):c.2077G>A (p.Ala693Thr)

Gene: NLGN3 (neuroligin 3; plus strand). Cytogenetic location: Xq13.1.
Variant type: single nucleotide variant.
Coding change: c.2077G>A on transcript NM_181303.2 (MANE Select); coding-DNA position 2077, G replaced by A.
Protein change: p.Ala693Thr; replaces alanine 693 with threonine.
Molecular consequence: missense variant.
Genome position (GRCh38, 1-based): chrX:71,169,627, G>A. VCF-style: chrX-71169627-G-A. GRCh37 (hg19) VCF-style: chrX-70389477-G-A.
Other names: c.1957G>A, p.Ala653Thr (NM_001166660.2); c.1666G>A, p.Ala556Thr (NM_001321276.2, NM_001438298.1); c.1726G>A, p.Ala576Thr (NM_001437941.1, NM_001438296.1); c.2017G>A, p.Ala673Thr (NM_018977.4); short protein forms A556T, A576T, A653T, A673T, A693T.
Identifiers: ClinVar variation 4882402 (VCV004882402.2).